The following is an entry in ClinVar:

ClinVar aggregate classification (germline): Pathogenic (1 of 4 stars; one submission).

Submission:

Labcorp Genetics (formerly Invitae), Labcorp
Classification: Pathogenic. Last evaluated: 2023-10-08. Review status: criteria provided, single submitter. Criteria: Invitae Variant Classification Sherloc (09022015). Collection method: clinical testing. Allele origin: germline.
Comment: This sequence change creates a premature translational stop signal (p.Glu133Valfs*48) in the PCARE gene. It is expected to result in an absent or disrupted protein product. Loss-of-function variants in PCARE are known to be pathogenic (PMID: 20398886, 24339724, 26496393). This variant is present in population databases (rs766484593, gnomAD 0.007%). This variant has not been reported in the literature in individuals affected with PCARE-related conditions. For these reasons, this variant has been classified as Pathogenic.

Literature cited by the submitters: PubMed 20398886; PubMed 24339724; PubMed 26496393.

NM_001029883.3(PCARE):c.398_401del (p.Glu133fs)

Gene: PCARE (photoreceptor cilium actin regulator; minus strand). Cytogenetic location: 2p23.2.
Variant type: Deletion.
Coding change: c.398_401del on transcript NM_001029883.3 (MANE Select); coding-DNA positions 398 to 401, 4 bases deleted (AGAG; older notation c.398_401delAGAG).
Protein change: p.Glu133fs; shifts the reading frame from glutamic acid 133.
Molecular consequence: frameshift variant.
Genome position (GRCh38, 1-based): chr2:29,073,861-29,073,864, CTCT deleted on the plus strand (AGAG on the coding strand, the reverse complement: PCARE is on the minus strand); deleting any 4 consecutive bases within chr2:29,073,861-29,073,865 gives the same sequence; the c. name uses the placement nearest the transcript's 3' end. VCF-style (leftmost placement, unchanged base first): chr2-29073860-ACTCT-A. GRCh37 (hg19) VCF-style: chr2-29296726-ACTCT-A.
Other names: short protein forms E133fs.
Identifiers: ClinVar variation 2804626 (VCV002804626.3), dbSNP rs766484593, ClinGen allele CA1592657.